The following is an entry in ClinVar:

NM_001270974.2(HYDIN):c.15102C>T (p.Ala5034=)

Gene: HYDIN (HYDIN axonemal central pair apparatus protein; minus strand). Cytogenetic location: 16q22.2.
Variant type: single nucleotide variant.
Coding change: c.15102C>T on transcript NM_001270974.2 (MANE Select); coding-DNA position 15102, C replaced by T.
Protein change: p.Ala5034=; no amino-acid change (alanine 5034 retained).
Molecular consequence: synonymous variant.
Genome position (GRCh38, 1-based): chr16:70,807,844, G>A on the plus strand (C>T on the coding strand, the complement: HYDIN is on the minus strand). VCF-style: chr16-70807844-G-A. GRCh37 (hg19) VCF-style: chr16-70841747-G-A.
Identifiers: ClinVar variation 3044628 (VCV003044628.2), dbSNP rs552010840, ClinGen allele CA8148304.
Genomic context (GRCh38, chr16:70,807,844, plus strand): 5'-GATGGAGAAGGTCACCATGTGATAGAAGACATTCTTGAAGGGGATGATTATGCTGTACCC[G>A]GCTCGGATCGAGAAGGGACCTTGGGGCTTGGGAGGCAGAGCCATTCCAAAGAGGGGGATG-3'
Protein context (NP_001257903.1, residues 5024-5044): PKPQGPFSIR[Ala5034=]GYSIIIPFKN

ClinVar aggregate classification (germline): Likely benign (0 of 4 stars; one submission).

Conditions:
HYDIN-related disorder. Also called: HYDIN-related condition.

Allele frequency attached by ClinVar (database versions not stated): gnomAD 0.00004; gnomAD exomes 0.00005; TOPMed 0.00005; ExAC 0.00006; 1000 Genomes Project 0.00020; 1000 Genomes Project 30x 0.00031.
gnomAD v4.1: 73 of 1,614,178 alleles (0.0045%); highest among the groups gnomAD compares: Admixed American, 0.022%; no homozygotes.

Submission:

PreventionGenetics, part of Exact Sciences
Classification: Likely benign for HYDIN-related condition. Last evaluated: 2019-05-28. Review status: no assertion criteria provided. Collection method: clinical testing. Allele origin: germline.
Comment: This variant is classified as likely benign based on ACMG/AMP sequence variant interpretation guidelines (Richards et al. 2015 PMID: 25741868, with internal and published modifications).